The following is an entry in ClinVar:

ClinVar aggregate classification (germline): Uncertain significance (0 of 4 stars; one submission).

Conditions:
CHD8-related disorder. Also called: CHD8-related disorders; CHD8-related condition.

Submission:

PreventionGenetics, part of Exact Sciences
Classification: Uncertain significance for CHD8-related condition. Last evaluated: 2024-07-02. Review status: no assertion criteria provided. Collection method: clinical testing. Allele origin: germline.
Comment: The CHD8 c.2813G>T variant is predicted to result in the amino acid substitution p.Arg938Leu. To our knowledge, this variant has not been reported in the literature or in a large population database, indicating this variant is rare. At this time, the clinical significance of this variant is uncertain due to the absence of conclusive functional and genetic evidence.

NM_001170629.2(CHD8):c.2813G>T (p.Arg938Leu)

Gene: CHD8 (chromodomain helicase DNA binding protein 8; minus strand). Cytogenetic location: 14q11.2.
Variant type: single nucleotide variant.
Coding change: c.2813G>T on transcript NM_001170629.2 (MANE Select); coding-DNA position 2813, G replaced by T.
Protein change: p.Arg938Leu; replaces arginine 938 with leucine.
Molecular consequence: missense variant.
Genome position (GRCh38, 1-based): chr14:21,406,950, C>A on the plus strand (G>T on the coding strand, the complement: CHD8 is on the minus strand). VCF-style: chr14-21406950-C-A. GRCh37 (hg19) VCF-style: chr14-21875109-C-A.
Other names: c.1976G>T, p.Arg659Leu (NM_020920.4); short protein forms R659L, R938L.
Identifiers: ClinVar variation 3347731 (VCV003347731.1).